The following is an entry in ClinVar:

NM_006531.5(IFT88):c.962G>A (p.Arg321Gln)

Gene: IFT88 (intraflagellar transport 88; plus strand). Cytogenetic location: 13q12.11.
Variant type: single nucleotide variant.
Coding change: c.962G>A on transcript NM_006531.5 (MANE Select); coding-DNA position 962, G replaced by A.
Protein change: p.Arg321Gln; replaces arginine 321 with glutamine.
Molecular consequence: missense variant. On other transcripts: non-coding transcript variant (5).
Genome position (GRCh38, 1-based): chr13:20,601,854, G>A. VCF-style: chr13-20601854-G-A. GRCh37 (hg19) VCF-style: chr13-21175993-G-A.
Other names: c.905G>A, p.Arg302Gln (NM_001318491.2, NM_001353573.2, NM_001353575.2); c.989G>A, p.Arg330Gln (NM_001318493.2, NM_001353565.2, NM_001353566.2 and 2 more transcripts); c.962G>A, p.Arg321Gln (NM_001353568.2, NM_001353572.2); c.887G>A, p.Arg296Gln (NM_001353569.2, NM_001353570.2, NM_001353576.2 and 1 more transcripts); c.860G>A, p.Arg287Gln (NM_001353571.2, NM_001353578.2); c.803G>A, p.Arg268Gln (NM_001353574.2); c.329G>A, p.Arg110Gln (NM_001353579.2); short protein forms R296Q, R321Q, R268Q, R330Q, R110Q, R287Q, R302Q.
Identifiers: ClinVar variation 1365845 (VCV001365845.6), dbSNP rs775253163, ClinGen allele CA6905227.

ClinVar aggregate classification (germline): Uncertain significance (1 of 4 stars; one submission).

Allele frequency attached by ClinVar (database versions not stated): gnomAD 0.00001; gnomAD exomes 0.00001 and 0.00002; TOPMed 0.00001; ExAC 0.00002.
gnomAD v4.1: 9 of 1,612,794 alleles (0.00056%); highest among the groups gnomAD compares: South Asian, 0.0044%; no homozygotes.

Submission:

Labcorp Genetics (formerly Invitae), Labcorp
Classification: Uncertain significance. Last evaluated: 2022-10-03. Review status: criteria provided, single submitter. Criteria: Invitae Variant Classification Sherloc (09022015). Collection method: clinical testing. Allele origin: germline.
Comment: In summary, the available evidence is currently insufficient to determine the role of this variant in disease. Therefore, it has been classified as a Variant of Uncertain Significance. Algorithms developed to predict the effect of missense changes on protein structure and function output the following: SIFT: "Not Available"; PolyPhen-2: "Benign"; Align-GVGD: "Not Available". The glutamine amino acid residue is found in multiple mammalian species, which suggests that this missense change does not adversely affect protein function. ClinVar contains an entry for this variant (Variation ID: 1365845). This variant has not been reported in the literature in individuals affected with IFT88-related conditions. This variant is present in population databases (rs775253163, gnomAD 0.01%). This sequence change replaces arginine, which is basic and polar, with glutamine, which is neutral and polar, at codon 330 of the IFT88 protein (p.Arg330Gln).